The following is an entry in ClinVar:

ClinVar aggregate classification (germline): Uncertain significance. Review status: criteria provided, multiple submitters, no conflicts (2 of 4 stars). 2 submissions from 2 submitters: Uncertain significance (2). Last evaluated 2024-07-24.

Conditions:
Duchenne muscular dystrophy (DMD). Also called: MUSCULAR DYSTROPHY, PSEUDOHYPERTROPHIC PROGRESSIVE, DUCHENNE TYPE; Duchenne Muscular Dystrophy (DMD). Identifiers: Orphanet 98896, MedGen C0013264, MONDO:0010679, OMIM 310200.

Submissions (2):

Labcorp Genetics (formerly Invitae), Labcorp
Classification: Uncertain significance for Duchenne muscular dystrophy. Last evaluated: 2024-07-24. Review status: criteria provided, single submitter. Criteria: Invitae Variant Classification Sherloc (09022015). Collection method: clinical testing. Allele origin: germline.
Comment: This sequence change replaces lysine, which is basic and polar, with arginine, which is basic and polar, at codon 2391 of the DMD protein (p.Lys2391Arg). This variant is not present in population databases (gnomAD no frequency). This variant has not been reported in the literature in individuals affected with DMD-related conditions. ClinVar contains an entry for this variant (Variation ID: 455930). Advanced modeling of protein sequence and biophysical properties (such as structural, functional, and spatial information, amino acid conservation, physicochemical variation, residue mobility, and thermodynamic stability) performed at Invitae indicates that this missense variant is not expected to disrupt DMD protein function with a negative predictive value of 95%. In summary, the available evidence is currently insufficient to determine the role of this variant in disease. Therefore, it has been classified as a Variant of Uncertain Significance.

Stanford Center for Inherited Cardiovascular Disease, Stanford University
Classification: Uncertain significance. Last evaluated: 2017-08-08. Review status: criteria provided, single submitter. Criteria: ACMG Guidelines, 2015. Collection method: provider interpretation. Allele origin: germline.

NM_004006.3(DMD):c.7172A>G (p.Lys2391Arg)

Gene: DMD (dystrophin; minus strand). Cytogenetic location: Xp21.1.
Variant type: single nucleotide variant.
Coding change: c.7172A>G on transcript NM_004006.3 (MANE Select); coding-DNA position 7172, A replaced by G.
Protein change: p.Lys2391Arg; replaces lysine 2391 with arginine.
Molecular consequence: missense variant. On other transcripts: 5 prime UTR variant (5).
Genome position (GRCh38, 1-based): chrX:31,836,746, T>C on the plus strand (A>G on the coding strand, the complement: DMD is on the minus strand). VCF-style: chrX-31836746-T-C. GRCh37 (hg19) VCF-style: chrX-31854863-T-C.
Other names: c.7148A>G, p.Lys2383Arg (NM_000109.4); c.7160A>G, p.Lys2387Arg (NM_004009.3); c.6803A>G, p.Lys2268Arg (NM_004010.3); c.3149A>G, p.Lys1050Arg (NM_004011.4); c.3140A>G, p.Lys1047Arg (NM_004012.4); c.-209A>G (NM_004013.3, NM_004020.4, NM_004021.3 and 2 more transcripts); short protein forms K2391R, K2383R, K1047R, K1050R, K2268R, K2387R.
Identifiers: ClinVar variation 455930 (VCV000455930.10), dbSNP rs1556930538, ClinGen allele CA412659274.